The following is an entry in ClinVar:

NM_000540.3(RYR1):c.10621G>A (p.Ala3541Thr)

Gene: RYR1 (ryanodine receptor 1; plus strand). Cytogenetic location: 19q13.2.
Variant type: single nucleotide variant.
Coding change: c.10621G>A on transcript NM_000540.3 (MANE Select); coding-DNA position 10621, G replaced by A.
Protein change: p.Ala3541Thr; replaces alanine 3541 with threonine.
Molecular consequence: missense variant.
Genome position (GRCh38, 1-based): chr19:38,525,497, G>A. VCF-style: chr19-38525497-G-A. GRCh37 (hg19) VCF-style: chr19-39016137-G-A.
Other names: c.10606G>A, p.Ala3536Thr (NM_001042723.2); short protein forms A3541T, A3536T.
Identifiers: ClinVar variation 161375 (VCV000161375.7), dbSNP rs376338203, ClinGen allele CA023849.

ClinVar aggregate classification (germline): Uncertain significance. Review status: criteria provided, multiple submitters, no conflicts (2 of 4 stars). 3 submissions from 3 submitters: Uncertain significance (2). 1 of the submissions does not count toward it. Last evaluated 2026-01-01.

Conditions:
RYR1-related disorder. Also called: RYR1-related disorders; RYR1-related condition. Identifiers: MedGen CN239331.
King Denborough syndrome (KDS). Identifiers: MedGen C1840365, MONDO:0020485, OMIM 619542.
Central core myopathy (CMYO1A). Also called: CONGENITAL MYOPATHY 1A, AUTOSOMAL DOMINANT, WITH SUSCEPTIBILITY TO MALIGNANT HYPERTHERMIA; Central core disease; Myopathy, central fibrillar. Identifiers: Orphanet 597, MedGen C5830701, MONDO:0007294, OMIM 117000.
Malignant hyperthermia, susceptibility to, 1 (MHS1). Also called: Anesthesia related hyperthermia; Malignant hyperpyrexia; Fulminating hyperpyrexia; Pharmacogenic myopathy; RYR1-Related Malignant Hyperthermia Susceptibility; Malignant hyperthermia suceptibility 1. Identifiers: Orphanet 423, MedGen C2930980, MONDO:0007783, OMIM 145600.
Congenital multicore myopathy with external ophthalmoplegia (CMYO1B). Also called: Minicore myopathy with external ophthalmoplegia; MULTIMINICORE DISEASE WITH EXTERNAL OPHTHALMOPLEGIA; MULTICORE MYOPATHY; Congenital myopathy 1B, autosomal recessive; Minicore myopathy. Identifiers: Orphanet 598, Orphanet 98905, MedGen C1850674, MONDO:0009712, OMIM 255320, HP:0003789.
Congenital myopathy with fiber type disproportion. Also called: Congenital fiber-type disproportion; Congenital fiber-type disproportion myopathy. Identifiers: Orphanet 2020, MedGen C0546264, MONDO:0009711. Inheritance: all.
Axial myopathy, late-onset.

Allele frequency attached by ClinVar (database versions not stated): gnomAD exomes 0.00001 and 0.00002; gnomAD 0.00002; TOPMed 0.00002; ExAC 0.00003; ESP Exome Variant Server 0.00008.
gnomAD v4.1: 17 of 1,613,522 alleles (0.0011%); highest among the groups gnomAD compares: African/African-American, 0.004%; no homozygotes.

Submissions (3):

Labcorp Genetics (formerly Invitae), Labcorp
Classification: Uncertain significance for RYR1-related disorder. Last evaluated: 2026-01-01. Review status: criteria provided, single submitter. Criteria: Invitae Variant Classification Sherloc (09022015). Collection method: clinical testing. Allele origin: germline.
Comment: This sequence change replaces alanine, which is neutral and non-polar, with threonine, which is neutral and polar, at codon 3541 of the RYR1 protein (p.Ala3541Thr). This variant is present in population databases (rs376338203, gnomAD 0.007%). This missense change has been observed in individual(s) with late-onset axial myopathy (PMID: 23329375). ClinVar contains an entry for this variant (Variation ID: 161375). Invitae Evidence Modeling of protein sequence and biophysical properties (such as structural, functional, and spatial information, amino acid conservation, physicochemical variation, residue mobility, and thermodynamic stability) indicates that this missense variant is not expected to disrupt RYR1 protein function with a negative predictive value of 80%. In summary, the available evidence is currently insufficient to determine the role of this variant in disease. Therefore, it has been classified as a Variant of Uncertain Significance.

Fulgent Genetics
Classification: Uncertain significance for Central core myopathy; Malignant hyperthermia, susceptibility to, 1; Congenital myopathy 4A, autosomal dominant; Congenital multicore myopathy with external ophthalmoplegia; King Denborough syndrome. Last evaluated: 2021-09-07. Review status: criteria provided, single submitter. Criteria: ACMG Guidelines, 2015. Collection method: clinical testing. Allele origin: unknown.

CSER _CC_NCGL, University of Washington
Classification: Uncertain significance for Axial myopathy, late-onset. Last evaluated: 2014-06-01. Review status: no assertion criteria provided. Collection method: research. Allele origin: germline. Inheritance: Autosomal dominant inheritance. Study: ESP 6500 variant annotation. Not counted in ClinVar's aggregate classification.
Comment: Variants classified for the Actionable exomic incidental findings in 6503 participants: challenges of variant classification manuscript

Literature cited by the submitters: PubMed 23329375 (cited by Labcorp Genetics (formerly Invitae), Labcorp).